The following is an entry in ClinVar:

NM_001846.4(COL4A2):c.1615G>A (p.Gly539Ser)

Genes: COL4A2 (collagen type IV alpha 2 chain; plus strand), COL4A2-AS2 (COL4A2 antisense RNA 2; minus strand). Cytogenetic location: 13q34.
Variant type: single nucleotide variant.
Coding change: c.1615G>A on transcript NM_001846.4 (MANE Select); coding-DNA position 1615, G replaced by A.
Protein change: p.Gly539Ser; replaces glycine 539 with serine.
Molecular consequence: missense variant.
Genome position (GRCh38, 1-based): chr13:110,462,132, G>A. VCF-style: chr13-110462132-G-A. GRCh37 (hg19) VCF-style: chr13-111114479-G-A.
Other names: short protein forms G539S.
Identifiers: ClinVar variation 2632851 (VCV002632851.1), dbSNP rs2502120134, ClinGen allele CA388738307.

ClinVar aggregate classification (germline): Likely pathogenic (1 of 4 stars; one submission).

Conditions:
COL4A2-related disorder. Also called: COL4A2-related disorders; COL4A2-related condition.

Submission:

PreventionGenetics, part of Exact Sciences
Classification: Likely pathogenic for COL4A2-related condition. Last evaluated: 2023-05-12. Review status: criteria provided, single submitter. Criteria: ACMG Guidelines, 2015. Collection method: clinical testing. Allele origin: germline.
Comment: The COL4A2 c.1615G>A variant is predicted to result in the amino acid substitution p.Gly539Ser. To our knowledge, this variant has not been reported in the literature or in a large population database, indicating this variant is rare. This variant results in a glycine substitution in the collagen triple helical region of the COL4A2 protein and glycine substitutions in this region have been documented to be pathogenic (Fidler et al. 2018. PubMed ID: 29632050). Taken together, this variant is interpreted as likely pathogenic.